The following is an entry in ClinVar:

NM_001042492.3(NF1):c.5270T>A (p.Val1757Asp)

Gene: NF1 (neurofibromin 1; plus strand). Cytogenetic location: 17q11.2.
Variant type: single nucleotide variant.
Coding change: c.5270T>A on transcript NM_001042492.3 (MANE Select); coding-DNA position 5270, T replaced by A.
Protein change: p.Val1757Asp; replaces valine 1757 with aspartic acid.
Molecular consequence: missense variant.
Genome position (GRCh38, 1-based): chr17:31,327,500, T>A. VCF-style: chr17-31327500-T-A. GRCh37 (hg19) VCF-style: chr17-29654518-T-A.
Other names: c.5207T>A, p.Val1736Asp (NM_000267.4); short protein forms V1736D, V1757D.
Identifiers: ClinVar variation 1002111 (VCV001002111.5), dbSNP rs1021835871, ClinGen allele CA399008866.

ClinVar aggregate classification (germline): Uncertain significance (1 of 4 stars; one submission).

Conditions:
Neurofibromatosis, type 1 (NF1). Also called: NEUROFIBROMATOSIS, TYPE I, SOMATIC; Peripheral type neurofibromatosis; VON RECKLINGHAUSEN DISEASE; Neurofibromatosis, type I. Identifiers: Orphanet 636, MedGen C0027831, MONDO:0018975, OMIM 162200. Disease mechanism: loss of function.

Submission:

Labcorp Genetics (formerly Invitae), Labcorp
Classification: Uncertain significance for Neurofibromatosis, type 1. Last evaluated: 2022-11-01. Review status: criteria provided, single submitter. Criteria: Invitae Variant Classification Sherloc (09022015). Collection method: clinical testing. Allele origin: germline.
Comment: In summary, the available evidence is currently insufficient to determine the role of this variant in disease. Therefore, it has been classified as a Variant of Uncertain Significance. This variant disrupts the p.Val1736 amino acid residue in NF1. Other variant(s) that disrupt this residue have been observed in individuals with NF1-related conditions (PMID: 30308447), which suggests that this may be a clinically significant amino acid residue. Algorithms developed to predict the effect of missense changes on protein structure and function are either unavailable or do not agree on the potential impact of this missense change (SIFT: "Deleterious"; PolyPhen-2: "Probably Damaging"; Align-GVGD: "Class C0"). ClinVar contains an entry for this variant (Variation ID: 1002111). This missense change has been observed in individual(s) with clinical features of NF1 (PMID: 19142971). This variant is not present in population databases (gnomAD no frequency). This sequence change replaces valine, which is neutral and non-polar, with aspartic acid, which is acidic and polar, at codon 1736 of the NF1 protein (p.Val1736Asp).

Literature cited by the submitters: PubMed 30308447; PubMed 19142971.